The following is an entry in ClinVar:

ClinVar aggregate classification (germline): Uncertain significance (1 of 4 stars; one submission).

Allele frequency attached by ClinVar (database versions not stated): gnomAD exomes below 0.00001; TOPMed 0.00006; gnomAD 0.00008.

Submission:

Labcorp Genetics (formerly Invitae), Labcorp
Classification: Uncertain significance. Last evaluated: 2021-09-01. Review status: criteria provided, single submitter. Criteria: Invitae Variant Classification Sherloc (09022015). Collection method: clinical testing. Allele origin: germline.
Comment: This sequence change replaces isoleucine with threonine at codon 447 of the ACAD9 protein (p.Ile447Thr). The isoleucine residue is moderately conserved and there is a moderate physicochemical difference between isoleucine and threonine. This variant is not present in population databases (ExAC no frequency). This variant has not been reported in the literature in individuals affected with ACAD9-related conditions. Algorithms developed to predict the effect of missense changes on protein structure and function output the following: SIFT: "Tolerated"; PolyPhen-2: "Benign"; Align-GVGD: "Class C0". The threonine amino acid residue is found in multiple mammalian species, which suggests that this missense change does not adversely affect protein function. In summary, the available evidence is currently insufficient to determine the role of this variant in disease. Therefore, it has been classified as a Variant of Uncertain Significance.

NM_014049.5(ACAD9):c.1340T>C (p.Ile447Thr)

Gene: ACAD9 (acyl-CoA dehydrogenase family member 9; plus strand). Cytogenetic location: 3q21.3.
Variant type: single nucleotide variant.
Coding change: c.1340T>C on transcript NM_014049.5 (MANE Select); coding-DNA position 1340, T replaced by C.
Protein change: p.Ile447Thr; replaces isoleucine 447 with threonine.
Molecular consequence: missense variant. On other transcripts: non-coding transcript variant (1).
Genome position (GRCh38, 1-based): chr3:128,908,246, T>C. VCF-style: chr3-128908246-T-C. GRCh37 (hg19) VCF-style: chr3-128627089-T-C.
Other names: c.971T>C, p.Ile324Thr (NM_001410805.1); short protein forms I447T, I324T.
Identifiers: ClinVar variation 2183694 (VCV002183694.1), dbSNP rs1381662264, ClinGen allele CA354438064.